The following is an entry in ClinVar:

NM_000138.5(FBN1):c.5066-35C>T

Gene: FBN1 (fibrillin 1; minus strand). Cytogenetic location: 15q21.1.
Variant type: single nucleotide variant.
Coding change: c.5066-35C>T on transcript NM_000138.5 (MANE Select); 35 bases into the intron before coding-DNA position 5066, C replaced by T.
Molecular consequence: intron variant.
Genome position (GRCh38, 1-based): chr15:48,463,275, G>A on the plus strand (C>T on the coding strand, the complement: FBN1 is on the minus strand). VCF-style: chr15-48463275-G-A. GRCh37 (hg19) VCF-style: chr15-48755472-G-A.
Identifiers: ClinVar variation 255299 (VCV000255299.14), dbSNP rs77105137, ClinGen allele CA054271.

ClinVar aggregate classification (germline): Benign. Review status: criteria provided, multiple submitters, no conflicts (2 of 4 stars). 5 submissions from 5 submitters: Benign (5). Last evaluated 2018-07-19.

Allele frequency attached by ClinVar (database versions not stated): gnomAD 0.07302 and 0.07470; 1000 Genomes Project 30x 0.04482; gnomAD exomes 0.07038 and 0.08451; 1000 Genomes Project 0.04673; TOPMed 0.07346; ESP Exome Variant Server 0.07646; ExAC 0.06800.
gnomAD v4.1: 134,020 of 1,604,986 alleles (8.4%); highest among the groups gnomAD compares: Middle Eastern, 15%; 6,275 homozygotes.

Submissions (5):

ARUP Laboratories, Molecular Genetics and Genomics, ARUP Laboratories
Classification: Benign. Last evaluated: 2018-07-19. Review status: criteria provided, single submitter. Criteria: ARUP Molecular Germline Variant Investigation Process. Collection method: clinical testing. Allele origin: germline.

Women's Health and Genetics/Laboratory Corporation of America, LabCorp
Classification: Benign. Last evaluated: 2017-11-03. Review status: criteria provided, single submitter. Criteria: LabCorp Variant Classification Summary - May 2015. Collection method: clinical testing. Allele origin: germline.
Comment: Variant summary: The FBN1 c.5066-35C>T variant involves the alteration of a non-conserved intronic nucleotide. One in silico tool predicts a benign outcome for this variant. 5/5 splice prediction tools predict no significant impact on normal splicing. However, these predictions have yet to be confirmed by functional studies. This variant was found in 19408/276744 control chromosomes at a frequency of 0.0701298, which is approximately 623 times the estimated maximal expected allele frequency of a pathogenic FBN1 variant (0.0001125), indicating this variant is a benign polymorphism. In addition, a clinical diagnostic laboratory classified this variant as benign. The variant of interest has not, to our knowledge, been reported in affected individuals via publications nor evaluated for functional impact by in vivo/vitro studies. Taken together, this variant is classified as benign.

GeneDx
Classification: Benign. Last evaluated: 2015-03-03. Review status: criteria provided, single submitter. Criteria: GeneDx Variant Classification Process June 2021. Collection method: clinical testing. Allele origin: germline. Affected: yes.

Breakthrough Genomics
Classification: Benign. Review status: criteria provided, single submitter. Criteria: ACMG Guidelines, 2015. Collection method: not provided. Allele origin: germline. Inheritance: Autosomal dominant inheritance. Affected: yes.

PreventionGenetics, part of Exact Sciences
Classification: Benign. Review status: criteria provided, single submitter. Criteria: ACMG Guidelines, 2015. Collection method: clinical testing. Allele origin: germline.

Literature cited by the submitters: PubMed 21542060 (cited by Women's Health and Genetics/Laboratory Corporation of America, LabCorp).